The following is an entry in ClinVar:

NM_005045.4(RELN):c.7180+139C>T

Gene: RELN (reelin; minus strand). Cytogenetic location: 7q22.1.
Variant type: single nucleotide variant.
Coding change: c.7180+139C>T on transcript NM_005045.4 (MANE Select); 139 bases into the intron after coding-DNA position 7180, C replaced by T.
Molecular consequence: intron variant.
Genome position (GRCh38, 1-based): chr7:103,538,939, G>A on the plus strand (C>T on the coding strand, the complement: RELN is on the minus strand). VCF-style: chr7-103538939-G-A. GRCh37 (hg19) VCF-style: chr7-103179386-G-A.
Other names: c.7180+139C>T (NM_173054.3).
Identifiers: ClinVar variation 673104 (VCV000673104.2), dbSNP rs116579072, ClinGen allele CA163941281.
Genomic context (GRCh38, chr7:103,538,939, plus strand): 5'-ATTGCTTTCAAAAATCAACTTTTAAAACTCAGTTTTTTAATACATGCAGTATTTTCAAGA[G>A]TACAGTGTGGTTTGACTCAAAGTGCACTTGTGTTTTATTTACAGACCTATCAGAGAGGCA-3'

ClinVar aggregate classification (germline): Benign. Review status: criteria provided, multiple submitters, no conflicts (2 of 4 stars). 2 submissions from 2 submitters: Benign (2). Last evaluated 2018-06-16.

Allele frequency attached by ClinVar (database versions not stated): gnomAD exomes 0.00246; gnomAD 0.02273 and 0.02436; 1000 Genomes Project 0.02396; TOPMed 0.02594; 1000 Genomes Project 30x 0.02686.
gnomAD v4.1: 5,362 of 904,570 alleles (0.59%); highest among the groups gnomAD compares: African/African-American, 7.7%; 180 homozygotes.

Submissions (2):

GeneDx
Classification: Benign. Last evaluated: 2018-06-16. Review status: criteria provided, single submitter. Criteria: GeneDx Variant Classification (06012015). Collection method: clinical testing. Allele origin: germline. Affected: yes.
Comment: This variant is considered likely benign or benign based on one or more of the following criteria: it is a conservative change, it occurs at a poorly conserved position in the protein, it is predicted to be benign by multiple in silico algorithms, and/or has population frequency not consistent with disease.

Breakthrough Genomics
Classification: Benign. Review status: criteria provided, single submitter. Criteria: ACMG Guidelines, 2015. Collection method: not provided. Allele origin: germline. Inheritance: Autosomal recessive inheritance. Affected: yes.